The following is an entry in ClinVar:

NM_000057.4(BLM):c.4171G>A (p.Gly1391Arg)

Gene: BLM (BLM RecQ like helicase; plus strand). Cytogenetic location: 15q26.1.
Variant type: single nucleotide variant.
Coding change: c.4171G>A on transcript NM_000057.4 (MANE Select); coding-DNA position 4171, G replaced by A.
Protein change: p.Gly1391Arg; replaces glycine 1391 with arginine.
Molecular consequence: missense variant.
Genome position (GRCh38, 1-based): chr15:90,815,196, G>A. VCF-style: chr15-90815196-G-A. GRCh37 (hg19) VCF-style: chr15-91358426-G-A.
Other names: c.4171G>A, p.Gly1391Arg (NM_001287246.2); c.3778G>A, p.Gly1260Arg (NM_001287247.2); c.3046G>A, p.Gly1016Arg (NM_001287248.2); short protein forms G1016R, G1260R, G1391R.
Identifiers: ClinVar variation 1427270 (VCV001427270.6), dbSNP rs2151202363, ClinGen allele CA393852455.

ClinVar aggregate classification (germline): Uncertain significance (1 of 4 stars; one submission).

Conditions:
Bloom syndrome (BLM). Also called: Bloom-Torre-Machacek syndrome. Identifiers: Orphanet 125, MedGen C0005859, MONDO:0008876, OMIM 210900.

Submission:

Labcorp Genetics (formerly Invitae), Labcorp
Classification: Uncertain significance for Bloom syndrome. Last evaluated: 2021-11-23. Review status: criteria provided, single submitter. Criteria: Invitae Variant Classification Sherloc (09022015). Collection method: clinical testing. Allele origin: germline.
Comment: In summary, the available evidence is currently insufficient to determine the role of this variant in disease. Therefore, it has been classified as a Variant of Uncertain Significance. Algorithms developed to predict the effect of missense changes on protein structure and function are either unavailable or do not agree on the potential impact of this missense change (SIFT: "Deleterious"; PolyPhen-2: "Possibly Damaging"; Align-GVGD: "Class C0"). This variant has not been reported in the literature in individuals affected with BLM-related conditions. This variant is not present in population databases (gnomAD no frequency). This sequence change replaces glycine, which is neutral and non-polar, with arginine, which is basic and polar, at codon 1391 of the BLM protein (p.Gly1391Arg).